The following is an entry in ClinVar:

ClinVar aggregate classification (germline): Uncertain significance (1 of 4 stars; one submission).

Allele frequency attached by ClinVar (database versions not stated): gnomAD exomes below 0.00001; gnomAD 0.00001; TOPMed 0.00001; ExAC 0.00002.
gnomAD v4.1: 3 of 1,613,776 alleles (0.00019%); highest among the groups gnomAD compares: African/African-American, 0.0013%; no homozygotes.

Submission:

Labcorp Genetics (formerly Invitae), Labcorp
Classification: Uncertain significance. Last evaluated: 2022-10-13. Review status: criteria provided, single submitter. Criteria: Invitae Variant Classification Sherloc (09022015). Collection method: clinical testing. Allele origin: germline.
Comment: In summary, the available evidence is currently insufficient to determine the role of this variant in disease. Therefore, it has been classified as a Variant of Uncertain Significance. Algorithms developed to predict the effect of missense changes on protein structure and function output the following: SIFT: "Not Available"; PolyPhen-2: "Benign"; Align-GVGD: "Not Available". The alanine amino acid residue is found in multiple mammalian species, which suggests that this missense change does not adversely affect protein function. This variant has not been reported in the literature in individuals affected with MYO18B-related conditions. This variant is present in population databases (rs774915959, gnomAD 0.01%). This sequence change replaces threonine, which is neutral and polar, with alanine, which is neutral and non-polar, at codon 896 of the MYO18B protein (p.Thr896Ala).

NM_032608.7(MYO18B):c.2686A>G (p.Thr896Ala)

Gene: MYO18B (myosin XVIIIB; plus strand). Cytogenetic location: 22q12.1.
Variant type: single nucleotide variant.
Coding change: c.2686A>G on transcript NM_032608.7 (MANE Select); coding-DNA position 2686, A replaced by G.
Protein change: p.Thr896Ala; replaces threonine 896 with alanine.
Molecular consequence: missense variant.
Genome position (GRCh38, 1-based): chr22:25,823,669, A>G. VCF-style: chr22-25823669-A-G. GRCh37 (hg19) VCF-style: chr22-26219636-A-G.
Other names: c.2686A>G, p.Thr896Ala (NM_001318245.2); short protein forms T896A.
Identifiers: ClinVar variation 1946225 (VCV001946225.5), dbSNP rs774915959, ClinGen allele CA10160264.